The following is an entry in ClinVar:

NM_000632.4(ITGAM):c.3049G>T (p.Ala1017Ser)

Gene: ITGAM (integrin subunit alpha M; plus strand). Cytogenetic location: 16p11.2.
Variant type: single nucleotide variant.
Coding change: c.3049G>T on transcript NM_000632.4 (MANE Select); coding-DNA position 3049, G replaced by T.
Protein change: p.Ala1017Ser; replaces alanine 1017 with serine.
Molecular consequence: missense variant.
Genome position (GRCh38, 1-based): chr16:31,330,153, G>T. VCF-style: chr16-31330153-G-T. GRCh37 (hg19) VCF-style: chr16-31341474-G-T.
Other names: c.3052G>T, p.Ala1018Ser (NM_001145808.2); short protein forms A1017S, A1018S.
Identifiers: ClinVar variation 4765564 (VCV004765564.1).

ClinVar aggregate classification (germline): Uncertain significance (1 of 4 stars; one submission).

gnomAD v4.1: 3 of 1,613,362 alleles (0.00019%); highest among the groups gnomAD compares: Non-Finnish European, 0.00025%; no homozygotes.

Submission:

Labcorp Genetics (formerly Invitae), Labcorp
Classification: Uncertain significance. Last evaluated: 2025-11-27. Review status: criteria provided, single submitter. Criteria: Invitae Variant Classification Sherloc (09022015). Collection method: clinical testing. Allele origin: germline.
Comment: This sequence change replaces alanine, which is neutral and non-polar, with serine, which is neutral and polar, at codon 1017 of the ITGAM protein (p.Ala1017Ser). This variant is not present in population databases (gnomAD no frequency). This variant has not been reported in the literature in individuals affected with ITGAM-related conditions. An algorithm developed to predict the effect of missense changes on protein structure and function outputs the following: PolyPhen-2: "Benign". The serine amino acid residue is found in multiple mammalian species, which suggests that this missense change does not adversely affect protein function. In summary, the available evidence is currently insufficient to determine the role of this variant in disease. Therefore, it has been classified as a Variant of Uncertain Significance.